The following is an entry in ClinVar:

NM_001040716.2(PC):c.909_922del (p.Tyr304fs)

Gene: PC (pyruvate carboxylase; minus strand). Cytogenetic location: 11q13.2.
Variant type: Deletion.
Coding change: c.909_922del on transcript NM_001040716.2 (MANE Select); coding-DNA positions 909 to 922, 14 bases deleted (CTACGAGAACGCAG).
Protein change: p.Tyr304fs; shifts the reading frame from tyrosine 304.
Molecular consequence: frameshift variant.
Genome position (GRCh38, 1-based): chr11:66,868,946-66,868,959, CTGCGTTCTCGTAG deleted on the plus strand (CTACGAGAACGCAG on the coding strand, the reverse complement: PC is on the minus strand); deleting any 14 consecutive bases within chr11:66,868,946-66,868,960 gives the same sequence; the c. name uses the placement nearest the transcript's 3' end. VCF-style (leftmost placement, unchanged base first): chr11-66868945-CCTGCGTTCTCGTAG-C. GRCh37 (hg19) VCF-style: chr11-66636416-CCTGCGTTCTCGTAG-C.
Other names: c.909_922del, p.Tyr304fs (NM_000920.4, NM_001439352.1, NM_001439353.1 and 5 more transcripts); short protein forms Y304fs.
Identifiers: ClinVar variation 5014812 (VCV005014812.1).
Genomic context (GRCh38, chr11:66,868,945, plus strand): 5'-CGGGAGTTGACCTCGATGAAGTAGTGCTTGCCGTGCCTGTCCACCAGGAACTCCACGGTG[CCTGCGTTCTCGTAG>C]CCCACCTGTGGGGGCGGCCACGTGAGCAGGGGAGGGCACAGGCAGGGCCTGGGCAAACTC-3'

ClinVar aggregate classification (germline): Pathogenic (1 of 4 stars; one submission).

Conditions:
Pyruvate carboxylase deficiency. Also called: ATAXIA WITH LACTIC ACIDOSIS II; LEIGH NECROTIZING ENCEPHALOPATHY DUE TO PYRUVATE CARBOXYLASE DEFICIENCY; LEIGH SYNDROME DUE TO PYRUVATE CARBOXYLASE DEFICIENCY; PC DEFICIENCY; Pyruvate Carboxylase Deficiency Disease. Identifiers: Orphanet 3008, MedGen C0034341, MONDO:0009949, OMIM 266150.

Submission:

Myriad Genetics, Inc.
Classification: Pathogenic for Pyruvate carboxylase deficiency. Last evaluated: 2025-08-03. Review status: criteria provided, single submitter. Criteria: Myriad Autosomal Dominant, Autosomal Recessive and X-Linked Classification Criteria (2023). Collection method: clinical testing. Allele origin: unknown.
Comment: NM_000920.3(PC):c.909_922del14(Y304Hfs*45) is expected to be pathogenic in the context of pyruvate carboxylase deficiency. This variant is predicted to lead to an abnormal or absent protein product due to the creation of a premature termination codon in PC, a gene where loss-of-function variants are known to be pathogenic. Please note: this variant was assessed in the context of healthy population screening.